The following is an entry in ClinVar:

ClinVar aggregate classification (germline): Uncertain significance (1 of 4 stars; one submission).

Allele frequency attached by ClinVar (database versions not stated): gnomAD exomes below 0.00001; ExAC 0.00001.

Submission:

CeGaT Center for Human Genetics Tuebingen
Classification: Uncertain significance. Last evaluated: 2023-02-01. Review status: criteria provided, single submitter. Criteria: CeGaT Center For Human Genetics Tuebingen Variant Classification Criteria Version 2. Collection method: clinical testing. Allele origin: germline. Affected: yes. Observed: 1 variant allele.
Comment: COMP: PM2, BP4

NM_000095.3(COMP):c.1718-4C>T

Gene: COMP (cartilage oligomeric matrix protein; minus strand). Cytogenetic location: 19p13.11.
Variant type: single nucleotide variant.
Coding change: c.1718-4C>T on transcript NM_000095.3 (MANE Select); 4 bases into the intron before coding-DNA position 1718, C replaced by T.
Molecular consequence: intron variant.
Genome position (GRCh38, 1-based): chr19:18,785,096, G>A on the plus strand (C>T on the coding strand, the complement: COMP is on the minus strand). VCF-style: chr19-18785096-G-A. GRCh37 (hg19) VCF-style: chr19-18895906-G-A.
Identifiers: ClinVar variation 2649591 (VCV002649591.24), dbSNP rs772933247, ClinGen allele CA9316278.